The following is an entry in ClinVar:

ClinVar aggregate classification (germline): Uncertain significance. Review status: criteria provided, multiple submitters, no conflicts (2 of 4 stars). 3 submissions from 3 submitters: Uncertain significance (3). Last evaluated 2025-08-20.

Conditions:
Cardiovascular phenotype. Identifiers: MedGen CN230736.
Long QT syndrome (LQTS). Identifiers: MedGen C0023976, MeSH D008133, MONDO:0002442. Disease mechanism: loss of function. Inheritance: Various modes of inheritance.

gnomAD v4.1: 3 of 1,613,996 alleles (0.00019%); highest among the groups gnomAD compares: East Asian, 0.0022%; no homozygotes.

Submissions (3):

Ambry Genetics
Classification: Uncertain significance for Cardiovascular phenotype. Last evaluated: 2025-08-20. Review status: criteria provided, single submitter. Criteria: Ambry Variant Classification Scheme 2023. Collection method: clinical testing. Allele origin: germline.
Comment: The p.T2507A variant (also known as c.7519A>G), located in coding exon 31 of the AKAP9 gene, results from an A to G substitution at nucleotide position 7519. The threonine at codon 2507 is replaced by alanine, an amino acid with similar properties. This amino acid position is not well conserved in available vertebrate species. In addition, this alteration is predicted to be tolerated by in silico analysis. Since supporting evidence is limited at this time, the clinical significance of this alteration remains unclear.

Labcorp Genetics (formerly Invitae), Labcorp
Classification: Uncertain significance for Long QT syndrome. Last evaluated: 2024-06-17. Review status: criteria provided, single submitter. Criteria: Invitae Variant Classification Sherloc (09022015). Collection method: clinical testing. Allele origin: germline.
Comment: This sequence change replaces threonine, which is neutral and polar, with alanine, which is neutral and non-polar, at codon 2507 of the AKAP9 protein (p.Thr2507Ala). This variant is not present in population databases (gnomAD no frequency). This variant has not been reported in the literature in individuals affected with AKAP9-related conditions. ClinVar contains an entry for this variant (Variation ID: 1390965). An algorithm developed to predict the effect of missense changes on protein structure and function (PolyPhen-2) suggests that this variant is likely to be tolerated. In summary, the available evidence is currently insufficient to determine the role of this variant in disease. Therefore, it has been classified as a Variant of Uncertain Significance.

Mayo Clinic Laboratories, Mayo Clinic
Classification: Uncertain significance. Last evaluated: 2021-04-06. Review status: criteria provided, single submitter. Criteria: ACMG Guidelines, 2015. Collection method: clinical testing. Allele origin: germline.

NM_005751.5(AKAP9):c.7519A>G (p.Thr2507Ala)

Gene: AKAP9 (A-kinase anchoring protein 9; plus strand). Cytogenetic location: 7q21.2.
Variant type: single nucleotide variant.
Coding change: c.7519A>G on transcript NM_005751.5 (MANE Select); coding-DNA position 7519, A replaced by G.
Protein change: p.Thr2507Ala; replaces threonine 2507 with alanine.
Molecular consequence: missense variant.
Genome position (GRCh38, 1-based): chr7:92,079,652, A>G. VCF-style: chr7-92079652-A-G. GRCh37 (hg19) VCF-style: chr7-91708966-A-G.
Other names: p.Thr2507Ala; c.2164A>G, p.Thr722Ala (NM_001379277.1); c.7495A>G, p.Thr2499Ala (NM_147185.3); short protein forms T2507A, T722A, T2499A.
Identifiers: ClinVar variation 1390965 (VCV001390965.15), dbSNP rs2130862031, ClinGen allele CA368135910.